The following is an entry in ClinVar:

ClinVar aggregate classification (germline): Likely benign. Review status: criteria provided, multiple submitters, no conflicts (2 of 4 stars). 4 submissions from 4 submitters: Likely benign (4). Last evaluated 2025-11-17.

Conditions:
SNRNP200-related disorder. Also called: SNRNP200-related condition.

Allele frequency attached by ClinVar (database versions not stated): gnomAD 0.00001 and 0.00002; ExAC 0.00004; TOPMed 0.00004; gnomAD exomes 0.00005 and 0.00006.
gnomAD v4.1: 77 of 1,614,110 alleles (0.0048%); highest among the groups gnomAD compares: Middle Eastern, 0.68%; 2 homozygotes.

Submissions (4):

PreventionGenetics, part of Exact Sciences
Classification: Likely benign for SNRNP200-related condition. Last evaluated: 2025-11-17. Review status: criteria provided, single submitter. Criteria: ACMG Guidelines, 2015. Collection method: clinical testing. Allele origin: germline.
Comment: This variant is classified as likely benign based on ACMG/AMP sequence variant interpretation guidelines (Richards et al. 2015 PMID: 25741868, with internal and published modifications).

Labcorp Genetics (formerly Invitae), Labcorp
Classification: Likely benign. Last evaluated: 2025-10-21. Review status: criteria provided, single submitter. Criteria: Invitae Variant Classification Sherloc (09022015). Collection method: clinical testing. Allele origin: germline.

Blueprint Genetics
Classification: Likely benign. Last evaluated: 2024-11-23. Review status: criteria provided, single submitter. Criteria: ACMG Guidelines, 2015. Collection method: clinical testing. Allele origin: germline.

Breakthrough Genomics
Classification: Likely benign. Review status: criteria provided, single submitter. Criteria: ACMG Guidelines, 2015. Collection method: not provided. Allele origin: germline. Inheritance: Unknown mechanism. Affected: yes.

NM_014014.5(SNRNP200):c.4161G>A (p.Glu1387=)

Gene: SNRNP200 (small nuclear ribonucleoprotein U5 subunit 200; minus strand). Cytogenetic location: 2q11.2.
Variant type: single nucleotide variant.
Coding change: c.4161G>A on transcript NM_014014.5 (MANE Select); coding-DNA position 4161, G replaced by A.
Protein change: p.Glu1387=; no amino-acid change (glutamic acid 1387 retained).
Molecular consequence: synonymous variant.
Genome position (GRCh38, 1-based): chr2:96,285,183, C>T on the plus strand (G>A on the coding strand, the complement: SNRNP200 is on the minus strand). VCF-style: chr2-96285183-C-T. GRCh37 (hg19) VCF-style: chr2-96950921-C-T.
Other names: c.4161G>A (NM_014014.4).
Identifiers: ClinVar variation 1598471 (VCV001598471.11), dbSNP rs774388016, ClinGen allele CA1778293.